The following is an entry in ClinVar:

NM_001267550.2(TTN):c.30697G>T (p.Val10233Leu)

Gene: TTN (titin; minus strand). Cytogenetic location: 2q31.2.
Variant type: single nucleotide variant.
Coding change: c.30697G>T on transcript NM_001267550.2 (MANE Select); coding-DNA position 30697, G replaced by T.
Protein change: p.Val10233Leu; replaces valine 10233 with leucine.
Molecular consequence: missense variant. On other transcripts: intron variant (3).
Genome position (GRCh38, 1-based): chr2:178,698,900, C>A on the plus strand (G>T on the coding strand, the complement: TTN is on the minus strand). VCF-style: chr2-178698900-C-A. GRCh37 (hg19) VCF-style: chr2-179563627-C-A.
Other names: c.29746G>T, p.Val9916Leu (NM_001256850.1); c.26965G>T, p.Val8989Leu (NM_133378.4); c.13282+39182G>T (NM_003319.4); c.13858+39182G>T (NM_133437.4); c.13657+39182G>T (NM_133432.3); short protein forms V10233L, V9916L, V8989L.
Identifiers: ClinVar variation 516733 (VCV000516733.1), dbSNP rs1553868860, ClinGen allele CA349566748.
Genomic context (GRCh38, chr2:178,698,900, plus strand): 5'-TACCTTCACGTGGTGTCATCTCTTTGGGCTTTGCAACAACTTTTTTGGCATCTTTCTTCA[C>A]AGCCTTTTTGGTAACTAAAAAAAAAAAAAAAGAAAAAAAAAGAAAAAATATTTCTGGTGT-3'
Protein context (NP_001254479.2, residues 10223-10243): PKRIEVTKKA[Val10233Leu]KKDAKKVVAK

ClinVar aggregate classification (germline): Likely benign (1 of 4 stars; one submission).

Submission:

GeneDx
Classification: Likely benign. Last evaluated: 2018-02-06. Review status: criteria provided, single submitter. Criteria: GeneDx Variant Classification (06012015). Collection method: clinical testing. Allele origin: germline. Affected: yes.
Comment: This variant is considered likely benign or benign based on one or more of the following criteria: it is a conservative change, it occurs at a poorly conserved position in the protein, it is predicted to be benign by multiple in silico algorithms, and/or has population frequency not consistent with disease.